The following is an entry in ClinVar:

ClinVar aggregate classification (germline): Likely pathogenic. Review status: criteria provided, multiple submitters, no conflicts (2 of 4 stars). 2 submissions from 2 submitters: Likely pathogenic (2). Last evaluated 2023-10-16.

Conditions:
Hereditary cancer-predisposing syndrome. Also called: Neoplastic Syndromes, Hereditary; Hereditary Cancer Syndrome; Tumor predisposition; Hereditary neoplastic syndrome. Identifiers: Orphanet 140162, MedGen C0027672, MeSH D009386, MONDO:0015356.

Submissions (2):

Ambry Genetics
Classification: Likely pathogenic for Hereditary cancer-predisposing syndrome. Last evaluated: 2023-10-16. Review status: criteria provided, single submitter. Criteria: Ambry Variant Classification Scheme 2023. Collection method: clinical testing. Allele origin: germline.
Comment: The c.444+1G>C intronic variant results from a G to C substitution one nucleotide after coding exon 2 of the CHEK2 gene. Alterations that disrupt the canonical splice site are expected to cause aberrant splicing, resulting in an abnormal protein or a transcript that is subject to nonsense-mediated mRNA decay. This variant is considered to be rare based on population cohorts in the Genome Aggregation Database (gnomAD). This nucleotide position is highly conserved in available vertebrate species. In silico splice site analysis predicts that this alteration will weaken the native splice donor site and will result in the creation or strengthening of a novel splice donor site; however direct evidence is insufficient (Ambry internal data). Based on the majority of available evidence to date, this variant is likely to be pathogenic.

Color Diagnostics, LLC DBA Color Health
Classification: Likely pathogenic for Hereditary cancer-predisposing syndrome. Last evaluated: 2019-10-07. Review status: criteria provided, single submitter. Criteria: ACMG Guidelines, 2015. Collection method: clinical testing. Allele origin: germline.
Comment: This variant causes a G>C nucleotide substitution at the +1 position of intron 3 of the CHEK2 gene. Splice site prediction tools predict that this variant may have a significant impact on RNA splicing. To our knowledge, functional studies have not been performed for this variant. This variant has not been reported in individuals affected with hereditary cancer in the literature. This variant has not been identified in the general population by the Genome Aggregation Database (gnomAD). Loss of CHEK2 function is a known mechanism of disease. Based on the available evidence, this variant is classified as Likely Pathogenic.

NM_007194.4(CHEK2):c.444+1G>C

Gene: CHEK2 (checkpoint kinase 2; minus strand). Cytogenetic location: 22q12.1.
Variant type: single nucleotide variant.
Coding change: c.444+1G>C on transcript NM_007194.4 (MANE Select); the canonical splice donor site of the intron after coding-DNA position 444, G replaced by C.
Molecular consequence: splice donor variant.
Genome position (GRCh38, 1-based): chr22:28,725,242, C>G on the plus strand (G>C on the coding strand, the complement: CHEK2 is on the minus strand). VCF-style: chr22-28725242-C-G. GRCh37 (hg19) VCF-style: chr22-29121230-C-G.
Other names: c.-220+1G>C (NM_001437942.1); c.444+1G>C (NM_001349956.3, NM_145862.3); c.-334+1G>C (NM_001257387.3); c.537+1G>C (NM_001438295.1, NM_001438293.1); c.573+1G>C (NM_001438294.1, NM_001005735.3).
Identifiers: ClinVar variation 928268 (VCV000928268.4), dbSNP rs121908698, ClinGen allele CA411107835.